The following is an entry in ClinVar:

ClinVar aggregate classification (germline): Uncertain significance (1 of 4 stars; one submission).

Conditions:
Severe combined immunodeficiency due to DNA-PKcs deficiency. Also called: IMMUNODEFICIENCY 26 WITH NEUROLOGIC ABNORMALITIES; Immunodeficiency 26 with or without neurologic abnormalities. Identifiers: Orphanet 317425, MedGen C4014833, MONDO:0014423, OMIM 615966.

Submission:

Labcorp Genetics (formerly Invitae), Labcorp
Classification: Uncertain significance for Severe combined immunodeficiency due to DNA-PKcs deficiency. Last evaluated: 2021-12-08. Review status: criteria provided, single submitter. Criteria: Invitae Variant Classification Sherloc (09022015). Collection method: clinical testing. Allele origin: germline.
Comment: This variant is not present in population databases (gnomAD no frequency). This variant has not been reported in the literature in individuals affected with PRKDC-related conditions. Experimental studies and prediction algorithms are not available or were not evaluated, and the functional significance of this variant is currently unknown. In summary, the available evidence is currently insufficient to determine the role of this variant in disease. Therefore, it has been classified as a Variant of Uncertain Significance. This sequence change replaces serine, which is neutral and polar, with glycine, which is neutral and non-polar, at codon 2567 of the PRKDC protein (p.Ser2567Gly).

NM_006904.7(PRKDC):c.7699A>G (p.Ser2567Gly)

Gene: PRKDC (protein kinase, DNA-activated, catalytic subunit; minus strand). Cytogenetic location: 8q11.21.
Variant type: single nucleotide variant.
Coding change: c.7699A>G on transcript NM_006904.7 (MANE Select); coding-DNA position 7699, A replaced by G.
Protein change: p.Ser2567Gly; replaces serine 2567 with glycine.
Molecular consequence: missense variant.
Genome position (GRCh38, 1-based): chr8:47,837,274, T>C on the plus strand (A>G on the coding strand, the complement: PRKDC is on the minus strand). VCF-style: chr8-47837274-T-C. GRCh37 (hg19) VCF-style: chr8-48749835-T-C.
Other names: c.7699A>G, p.Ser2567Gly (NM_001081640.2); short protein forms S2567G.
Identifiers: ClinVar variation 1428681 (VCV001428681.6), dbSNP rs2154499772, ClinGen allele CA371152723.
Genomic context (GRCh38, chr8:47,837,274, plus strand): 5'-GAAATTCGCATTCTGACAGAGGATGCTCGAACATGGGGTTTGGATAATCTGGGCTCATGC[T>C]GGTCATTTCGAGCAGAAAATTTGTTGCTAAACTTAAAAAGTGCACTTCTATCTTAGGAGA-3'
Protein context (NP_008835.5, residues 2557-2577): LATNFLLEMT[Ser2567Gly]MSPDYPNPMF